The following is an entry in ClinVar:

ClinVar aggregate classification (germline): Uncertain significance (1 of 4 stars; one submission).

Allele frequency attached by ClinVar (database versions not stated): gnomAD exomes 0.00001; TOPMed 0.00002; ExAC 0.00003; gnomAD 0.00005; 1000 Genomes Project 30x 0.00047; 1000 Genomes Project 0.00060.
gnomAD v4.1: 19 of 1,614,018 alleles (0.0012%); highest among the groups gnomAD compares: South Asian, 0.0099%; no homozygotes.

Submission:

Labcorp Genetics (formerly Invitae), Labcorp
Classification: Uncertain significance. Last evaluated: 2024-10-17. Review status: criteria provided, single submitter. Criteria: Invitae Variant Classification Sherloc (09022015). Collection method: clinical testing. Allele origin: germline.
Comment: This sequence change replaces proline, which is neutral and non-polar, with leucine, which is neutral and non-polar, at codon 999 of the INPPL1 protein (p.Pro999Leu). This variant is present in population databases (rs569099732, gnomAD 0.01%). This variant has not been reported in the literature in individuals affected with INPPL1-related conditions. ClinVar contains an entry for this variant (Variation ID: 1899800). An algorithm developed to predict the effect of missense changes on protein structure and function outputs the following: PolyPhen-2: "Benign". The leucine amino acid residue is found in multiple mammalian species, which suggests that this missense change does not adversely affect protein function. In summary, the available evidence is currently insufficient to determine the role of this variant in disease. Therefore, it has been classified as a Variant of Uncertain Significance.

NM_001567.4(INPPL1):c.2996C>T (p.Pro999Leu)

Gene: INPPL1 (inositol polyphosphate phosphatase like 1; plus strand). Cytogenetic location: 11q13.4.
Variant type: single nucleotide variant.
Coding change: c.2996C>T on transcript NM_001567.4 (MANE Select); coding-DNA position 2996, C replaced by T.
Protein change: p.Pro999Leu; replaces proline 999 with leucine.
Molecular consequence: missense variant.
Genome position (GRCh38, 1-based): chr11:72,237,240, C>T. VCF-style: chr11-72237240-C-T. GRCh37 (hg19) VCF-style: chr11-71948284-C-T.
Other names: short protein forms P999L.
Identifiers: ClinVar variation 1899800 (VCV001899800.5), dbSNP rs569099732, ClinGen allele CA6170540.